The following is an entry in ClinVar:

NM_014049.5(ACAD9):c.554+20G>A

Gene: ACAD9 (acyl-CoA dehydrogenase family member 9; plus strand). Cytogenetic location: 3q21.3.
Variant type: single nucleotide variant.
Coding change: c.554+20G>A on transcript NM_014049.5 (MANE Select); 20 bases into the intron after coding-DNA position 554, G replaced by A.
Molecular consequence: intron variant.
Genome position (GRCh38, 1-based): chr3:128,896,556, G>A. VCF-style: chr3-128896556-G-A. GRCh37 (hg19) VCF-style: chr3-128615399-G-A.
Identifiers: ClinVar variation 136251 (VCV000136251.12), dbSNP rs201186311, ClinGen allele CA289238.

ClinVar aggregate classification (germline): Benign/Likely benign. Review status: criteria provided, multiple submitters, no conflicts (2 of 4 stars). 4 submissions from 4 submitters: Benign (3); Likely benign (1). Last evaluated 2026-02-02.

Conditions:
Acyl-CoA dehydrogenase 9 deficiency. Also called: MITOCHONDRIAL COMPLEX I DEFICIENCY, NUCLEAR TYPE 20; Acyl-CoA dehydrogenase family, member 9, deficiency of. Identifiers: Orphanet 99901, MedGen C4747517, MONDO:0012624, OMIM 611126.

Allele frequency attached by ClinVar (database versions not stated): gnomAD exomes 0.00031 and 0.00075; ExAC 0.00097; ESP Exome Variant Server 0.00284; gnomAD 0.00307 and 0.00329; TOPMed 0.00330; 1000 Genomes Project 30x 0.00344; 1000 Genomes Project 0.00359.
gnomAD v4.1: 929 of 1,612,842 alleles (0.058%); highest among the groups gnomAD compares: African/African-American, 1.1%; 6 homozygotes.

Submissions (4):

Labcorp Genetics (formerly Invitae), Labcorp
Classification: Benign. Last evaluated: 2026-02-02. Review status: criteria provided, single submitter. Criteria: Invitae Variant Classification Sherloc (09022015). Collection method: clinical testing. Allele origin: germline.

ARUP Laboratories, Molecular Genetics and Genomics, ARUP Laboratories
Classification: Benign for Acyl-CoA dehydrogenase 9 deficiency. Last evaluated: 2025-01-22. Review status: criteria provided, single submitter. Criteria: ARUP Molecular Germline Variant Investigation Process 2024. Collection method: clinical testing. Allele origin: germline.

Blueprint Genetics
Classification: Likely benign. Last evaluated: 2024-11-13. Review status: criteria provided, single submitter. Criteria: ACMG Guidelines, 2015. Collection method: clinical testing. Allele origin: germline.

GeneDx
Classification: Benign. Last evaluated: 2013-04-22. Review status: criteria provided, single submitter. Criteria: GeneDx Variant Classification (06012015). Collection method: clinical testing. Allele origin: germline. Affected: yes.
Comment: This variant is considered likely benign or benign based on one or more of the following criteria: it is a conservative change, it occurs at a poorly conserved position in the protein, it is predicted to be benign by multiple in silico algorithms, and/or has population frequency not consistent with disease.